The following is an entry in ClinVar:

ClinVar aggregate classification (germline): Benign (1 of 4 stars; one submission).

Allele frequency attached by ClinVar (database versions not stated): 1000 Genomes Project 0.62979; TOPMed 0.55908; 1000 Genomes Project 30x 0.62664.
gnomAD v4.1: 84,153 of 151,884 alleles (55%); highest among the groups gnomAD compares: East Asian, 72%; 23,918 homozygotes.

Submission:

GeneDx
Classification: Benign. Last evaluated: 2018-06-14. Review status: criteria provided, single submitter. Criteria: GeneDx Variant Classification (06012015). Collection method: clinical testing. Allele origin: germline. Affected: yes.
Comment: This variant is considered likely benign or benign based on one or more of the following criteria: it is a conservative change, it occurs at a poorly conserved position in the protein, it is predicted to be benign by multiple in silico algorithms, and/or has population frequency not consistent with disease.

NM_001377.3(DYNC2H1):c.12367-216A>T

Gene: DYNC2H1 (dynein cytoplasmic 2 heavy chain 1; plus strand). Cytogenetic location: 11q22.3.
Variant type: single nucleotide variant.
Coding change: c.12367-216A>T on transcript NM_001377.3 (MANE Select); 216 bases into the intron before coding-DNA position 12367, A replaced by T.
Molecular consequence: intron variant.
Genome position (GRCh38, 1-based): chr11:103,435,727, A>T. VCF-style: chr11-103435727-A-T. GRCh37 (hg19) VCF-style: chr11-103306455-A-T.
Other names: c.12388-216A>T (NM_001080463.2).
Identifiers: ClinVar variation 667813 (VCV000667813.1), dbSNP rs667202, ClinGen allele CA227434340.
Genomic context (GRCh38, chr11:103,435,727, plus strand): 5'-TGCAGTAAATATTGTTTAAGAAAACATGGTTGACTATTTTTTATATGCCAGTTTAAGTTC[A>T]TCTTGTTATTCTTTCAGGAACTTGTACTTTCCTTCCTTTTAGAGAAACATTAATTCATGC-3'